The following is an entry in ClinVar:

NM_000435.3(NOTCH3):c.1931T>A (p.Val644Asp)

Gene: NOTCH3 (notch receptor 3; minus strand). Cytogenetic location: 19p13.12.
Variant type: single nucleotide variant.
Coding change: c.1931T>A on transcript NM_000435.3 (MANE Select); coding-DNA position 1931, T replaced by A.
Protein change: p.Val644Asp; replaces valine 644 with aspartic acid.
Molecular consequence: missense variant.
Genome position (GRCh38, 1-based): chr19:15,186,898, A>T on the plus strand (T>A on the coding strand, the complement: NOTCH3 is on the minus strand). VCF-style: chr19-15186898-A-T. GRCh37 (hg19) VCF-style: chr19-15297709-A-T.
Other names: p.Val644Asp; short protein forms V644D.
Identifiers: ClinVar variation 697974 (VCV000697974.51), dbSNP rs148046938, ClinGen allele CA9263500.

ClinVar aggregate classification (germline): Conflicting classifications of pathogenicity. Review status: criteria provided, conflicting classifications (1 of 4 stars). 13 submissions from 13 submitters: Uncertain significance (1); Benign (1); Likely benign (6). 5 of the submissions do not count toward it. Last evaluated 2025-12-29.

Conditions:
NOTCH3-related disorder. Also called: NOTCH3-related condition; NOTCH3-related disorders.

Allele frequency attached by ClinVar (database versions not stated): 1000 Genomes Project 30x 0.00016; 1000 Genomes Project 0.00020; gnomAD 0.00063; ESP Exome Variant Server 0.00069; ExAC 0.00070; TOPMed 0.00071; gnomAD exomes 0.00077 and 0.00092.
gnomAD v4.1: 1,418 of 1,614,162 alleles (0.088%); highest among the groups gnomAD compares: Non-Finnish European, 0.11%; 1 homozygote.

Submissions (13):

Labcorp Genetics (formerly Invitae), Labcorp
Classification: Likely benign. Last evaluated: 2025-12-29. Review status: criteria provided, single submitter. Criteria: Invitae Variant Classification Sherloc (09022015). Collection method: clinical testing. Allele origin: germline.

CeGaT Center for Human Genetics Tuebingen
Classification: Likely benign. Last evaluated: 2025-09-01. Review status: criteria provided, single submitter. Criteria: CeGaT Center For Human Genetics Tuebingen Variant Classification Criteria Version 2. Collection method: clinical testing. Allele origin: germline. Affected: yes. Observed: 6 variant alleles.
Comment: NOTCH3: BS1

Mayo Clinic Laboratories, Mayo Clinic
Classification: Likely benign. Last evaluated: 2025-08-15. Review status: criteria provided, single submitter. Criteria: ACMG Guidelines, 2015. Collection method: clinical testing. Allele origin: germline. Observed: 7 variant alleles.
Comment: BS2, BP1, PP3

Women's Health and Genetics/Laboratory Corporation of America, LabCorp
Classification: Likely benign. Last evaluated: 2024-12-02. Review status: criteria provided, single submitter. Criteria: LabCorp Variant Classification Summary - May 2015. Collection method: clinical testing. Allele origin: germline.

Blueprint Genetics
Classification: Likely benign. Last evaluated: 2024-11-26. Review status: criteria provided, single submitter. Criteria: ACMG Guidelines, 2015. Collection method: clinical testing. Allele origin: germline.

ARUP Laboratories, Molecular Genetics and Genomics, ARUP Laboratories
Classification: Likely benign. Last evaluated: 2024-04-19. Review status: criteria provided, single submitter. Criteria: ARUP Molecular Germline Variant Investigation Process 2024. Collection method: clinical testing. Allele origin: germline.

Athena Diagnostics
Classification: Benign. Last evaluated: 2024-03-15. Review status: criteria provided, single submitter. Criteria: Athena Diagnostics Criteria. Collection method: clinical testing. Allele origin: unknown.

GeneDx
Classification: Uncertain significance. Last evaluated: 2021-06-18. Review status: criteria provided, single submitter. Criteria: GeneDx Variant Classification Process June 2021. Collection method: clinical testing. Allele origin: germline. Affected: yes.
Comment: Reported previously, with alternate nomenclature c.2009T>A, as a variant of uncertain pathogenic significance in three individuals with leukoencephalopathy; detailed clinical and segregation information was not provided (Ungaro C et al., 2009); In silico analysis supports that this missense variant has a deleterious effect on protein structure/function; This variant is associated with the following publications: (PMID: 32573853, 19006080)

PreventionGenetics, part of Exact Sciences
Classification: Likely benign for NOTCH3-related condition. Last evaluated: 2022-01-27. Review status: no assertion criteria provided. Collection method: clinical testing. Allele origin: germline. Not counted in ClinVar's aggregate classification.
Comment: This variant is classified as likely benign based on ACMG/AMP sequence variant interpretation guidelines (Richards et al. 2015 PMID: 25741868, with internal and published modifications).

Clinical Genetics DNA and cytogenetics Diagnostics Lab, Erasmus MC, Erasmus Medical Center
Classification: Uncertain significance. Review status: no assertion criteria provided. Collection method: clinical testing. Allele origin: germline. Affected: yes. Study: VKGL Data-share Consensus. Not counted in ClinVar's aggregate classification.

Diagnostic Laboratory, Department of Genetics, University Medical Center Groningen
Classification: Uncertain significance. Review status: no assertion criteria provided. Collection method: clinical testing. Allele origin: germline. Affected: yes. Study: VKGL Data-share Consensus. Not counted in ClinVar's aggregate classification.

Genome Diagnostics Laboratory, Amsterdam University Medical Center
Classification: Uncertain significance. Review status: no assertion criteria provided. Collection method: clinical testing. Allele origin: germline. Affected: yes. Study: VKGL Data-share Consensus. Not counted in ClinVar's aggregate classification.

Laboratory of Diagnostic Genome Analysis, Leiden University Medical Center (LUMC)
Classification: Uncertain significance. Review status: no assertion criteria provided. Collection method: clinical testing. Allele origin: germline. Affected: yes. Study: VKGL Data-share Consensus. Not counted in ClinVar's aggregate classification.

Literature cited by the submitters: PubMed 19006080 (cited by Mayo Clinic Laboratories, Mayo Clinic and Athena Diagnostics); PubMed 19056668 (cited by Mayo Clinic Laboratories, Mayo Clinic and Athena Diagnostics); PubMed 20038773 (cited by Mayo Clinic Laboratories, Mayo Clinic and Athena Diagnostics); PubMed 28902129 (cited by Mayo Clinic Laboratories, Mayo Clinic); PubMed 31484286 (cited by Mayo Clinic Laboratories, Mayo Clinic); PubMed 31915071 (cited by Mayo Clinic Laboratories, Mayo Clinic); PubMed 32573853 (cited by Mayo Clinic Laboratories, Mayo Clinic); PubMed 37873835 (cited by Mayo Clinic Laboratories, Mayo Clinic); PubMed 39201482 (cited by Mayo Clinic Laboratories, Mayo Clinic).